The following is an entry in ClinVar:

ClinVar aggregate classification (germline): Pathogenic. Review status: criteria provided, multiple submitters, no conflicts (2 of 4 stars). 5 submissions from 5 submitters: Pathogenic (5). Last evaluated 2025-10-08.

Conditions:
CDH23-related disorder. Also called: CDH23-related disorders; CDH23-related condition.
Autosomal recessive nonsyndromic hearing loss 12. Also called: DEAFNESS, AUTOSOMAL RECESSIVE 12. Identifiers: Orphanet 90636, MedGen C1832394, MONDO:0011067, OMIM 601386.
Pituitary adenoma 5, multiple types. Identifiers: MedGen C4539685, MONDO:0054601, OMIM 617540.
Usher syndrome type 1 (USH1). Also called: RETINITIS PIGMENTOSA AND CONGENITAL DEAFNESS. Identifiers: Orphanet 231169, Orphanet 886, MedGen C1568247, MONDO:0010168, OMIM 276900.

Allele frequency attached by ClinVar (database versions not stated): gnomAD 0.00001; TOPMed 0.00003.
gnomAD v4.1: 3 of 1,613,698 alleles (0.00019%); highest among the groups gnomAD compares: East Asian, 0.0022%; no homozygotes.

Submissions (5):

Labcorp Genetics (formerly Invitae), Labcorp
Classification: Pathogenic. Last evaluated: 2025-10-08. Review status: criteria provided, single submitter. Criteria: Invitae Variant Classification Sherloc (09022015). Collection method: clinical testing. Allele origin: germline.
Comment: This sequence change creates a premature translational stop signal (p.Arg2107*) in the CDH23 gene. It is expected to result in an absent or disrupted protein product. Loss-of-function variants in CDH23 are known to be pathogenic (PMID: 11138009, 21940737). This variant is not present in population databases (gnomAD no frequency). This premature translational stop signal has been observed in individuals with Usher syndrome (PMID: 11090341, 24618850). This variant is also known as R1305X. ClinVar contains an entry for this variant (Variation ID: 968742). For these reasons, this variant has been classified as Pathogenic.

Natera, Inc.
Classification: Pathogenic for Usher syndrome type 1. Last evaluated: 2025-02-24. Review status: criteria provided, single submitter. Criteria: Natera Variant Classification Schema (03/2026). Collection method: clinical testing. Allele origin: germline.
Comment: The c.6319C>T variant in CDH23 is a nonsense variant predicted to introduce a stop codon at amino acid 2107. This variant is expected to result in nonsense mediated decay, truncation, or a dysfunctional protein product. This variant is rare in the general population with a frequency below the threshold expected for the associated phenotype(s). This variant has been observed in one or more individuals affected with the associated recessive disease, as either homozygous or compound heterozygous with a second variant (PMID: 22135276). Given the available evidence, this variant is classified as Pathogenic.

Wonkam Laboratory, Johns Hopkins University
Classification: Pathogenic for Autosomal recessive nonsyndromic hearing loss 12. Last evaluated: 2024-01-06. Review status: criteria provided, single submitter. Criteria: ACMG Guidelines, 2015. Collection method: research. Allele origin: germline. Inheritance: Autosomal recessive inheritance. Affected: yes. Observed: 2 variant alleles.
Comment: This variant CDH23 c.6319C>T is predicted to lead to stopgain mutation (PVS1), Absent from controls (or at extremely low frequency if recessive) in Exome Sequencing Project, 1000 Genomes Project, or Exome Aggregation Consortium (PM2), Multiple lines of computational evidence support a deleterious effect on the gene or gene product (conservation, evolutionary, splicing impact, etc.) (PP3), Reputable source recently reports variant as pathogenic, but the evidence is not available to the laboratory to perform an independent evaluation (PP5).

Baylor Genetics
Classification: Pathogenic for Pituitary adenoma 5, multiple types. Last evaluated: 2023-02-25. Review status: criteria provided, single submitter. Criteria: ACMG Guidelines, 2015. Collection method: clinical testing. Allele origin: unknown.

Blueprint Genetics
Classification: Pathogenic for CDH23-related disorders. Last evaluated: 2018-05-23. Review status: criteria provided, single submitter. Criteria: ACMG Guidelines, 2015. Collection method: clinical testing. Allele origin: germline. Affected: yes. Observed: 1 variant allele.

Literature cited by the submitters: PubMed 11138009 (cited by Labcorp Genetics (formerly Invitae), Labcorp); PubMed 21940737 (cited by Labcorp Genetics (formerly Invitae), Labcorp); PubMed 11090341 (cited by Labcorp Genetics (formerly Invitae), Labcorp); PubMed 24618850 (cited by Labcorp Genetics (formerly Invitae), Labcorp); PubMed 22135276 (cited by Natera, Inc.).

NM_022124.6(CDH23):c.6319C>T (p.Arg2107Ter)

Gene: CDH23 (cadherin related 23; plus strand). Cytogenetic location: 10q22.1.
Variant type: single nucleotide variant.
Coding change: c.6319C>T on transcript NM_022124.6 (MANE Select); coding-DNA position 6319, C replaced by T.
Protein change: p.Arg2107Ter; replaces arginine 2107 with a stop codon.
Molecular consequence: nonsense.
Genome position (GRCh38, 1-based): chr10:71,793,247, C>T. VCF-style: chr10-71793247-C-T. GRCh37 (hg19) VCF-style: chr10-73553004-C-T.
Other names: short protein forms R2107*.
Identifiers: ClinVar variation 968742 (VCV000968742.14), dbSNP rs1306728898, ClinGen allele CA377154279.